The following is an entry in ClinVar:

ClinVar aggregate classification (germline): Uncertain significance. Review status: criteria provided, multiple submitters, no conflicts (2 of 4 stars). 2 submissions from 2 submitters: Uncertain significance (2). Last evaluated 2025-09-28.

Conditions:
Inborn genetic diseases. Identifiers: MedGen C0950123, MeSH D030342.

Allele frequency attached by ClinVar (database versions not stated): gnomAD exomes below 0.00001; gnomAD 0.00001; TOPMed 0.00002.
gnomAD v4.1: 8 of 1,613,940 alleles (0.0005%); highest among the groups gnomAD compares: African/African-American, 0.0013%; no homozygotes.

Submissions (2):

Ambry Genetics
Classification: Uncertain significance for Inborn genetic diseases. Last evaluated: 2025-09-28. Review status: criteria provided, single submitter. Criteria: Ambry Variant Classification Scheme 2023. Collection method: clinical testing. Allele origin: germline.

Labcorp Genetics (formerly Invitae), Labcorp
Classification: Uncertain significance. Last evaluated: 2021-10-07. Review status: criteria provided, single submitter. Criteria: Invitae Variant Classification Sherloc (09022015). Collection method: clinical testing. Allele origin: germline.
Comment: This sequence change replaces aspartic acid with histidine at codon 914 of the ABCC6 protein (p.Asp914His). The aspartic acid residue is weakly conserved and there is a moderate physicochemical difference between aspartic acid and histidine. This variant is not present in population databases (ExAC no frequency). This variant has not been reported in the literature in individuals affected with ABCC6-related conditions. Advanced modeling of protein sequence and biophysical properties (such as structural, functional, and spatial information, amino acid conservation, physicochemical variation, residue mobility, and thermodynamic stability) performed at Invitae indicates that this missense variant is not expected to disrupt ABCC6 protein function. In summary, the available evidence is currently insufficient to determine the role of this variant in disease. Therefore, it has been classified as a Variant of Uncertain Significance.

NM_001171.6(ABCC6):c.2740G>C (p.Asp914His)

Gene: ABCC6 (ATP binding cassette subfamily C member 6; minus strand). Cytogenetic location: 16p13.11.
Variant type: single nucleotide variant.
Coding change: c.2740G>C on transcript NM_001171.6 (MANE Select); coding-DNA position 2740, G replaced by C.
Protein change: p.Asp914His; replaces aspartic acid 914 with histidine.
Molecular consequence: missense variant. On other transcripts: non-coding transcript variant (1).
Genome position (GRCh38, 1-based): chr16:16,173,331, C>G on the plus strand (G>C on the coding strand, the complement: ABCC6 is on the minus strand). VCF-style: chr16-16173331-C-G. GRCh37 (hg19) VCF-style: chr16-16267188-C-G.
Other names: c.2398G>C, p.Asp800His (NM_001351800.1); c.2740G>C (NM_001171.5); short protein forms D914H, D800H.
Identifiers: ClinVar variation 1360303 (VCV001360303.4), dbSNP rs1470139960, ClinGen allele CA394885917.
Genomic context (GRCh38, chr16:16,173,331, plus strand): 5'-AGCTGGTGGTTACCCTGCCGTATTGGATGCTGTCCTTTCCTGCTGGCCATCCTGCCCTGT[C>G]AGGGTCATCCAGAGGAACCTCTGTCTGGGCTTCTGAAGTGGTACGGTCCTTCTCAGGGAC-3'
Protein context (NP_001162.5, residues 904-924): AQTEVPLDDP[Asp914His]RAGWPAGKDS